The following is an entry in ClinVar:

NM_213653.4(HJV):c.929C>G (p.Ala310Gly)

Gene: HJV (hemojuvelin BMP co-receptor; minus strand). Cytogenetic location: 1q21.1.
Variant type: single nucleotide variant.
Coding change: c.929C>G on transcript NM_213653.4 (MANE Select); coding-DNA position 929, C replaced by G.
Protein change: p.Ala310Gly; replaces alanine 310 with glycine.
Molecular consequence: missense variant.
Genome position (GRCh38, 1-based): chr1:146,018,429, G>C on the plus strand (C>G on the coding strand, the complement: HJV is on the minus strand). VCF-style: chr1-146018429-G-C. GRCh37 (hg19) VCF-style: chr1-145416584-C-G.
Other names: c.251C>G, p.Ala84Gly (NM_001316767.2, NM_202004.4, NM_213652.4); c.929C>G, p.Ala310Gly (NM_001379352.1); c.590C>G, p.Ala197Gly (NM_145277.5); short protein forms A310G, A84G, A197G.
Identifiers: ClinVar variation 292430 (VCV000292430.21), dbSNP rs7540883, ClinGen allele CA1053922.

ClinVar aggregate classification (germline): Benign/Likely benign. Review status: criteria provided, multiple submitters, no conflicts (2 of 4 stars). 5 submissions from 5 submitters: Benign (2); Likely benign (2). 1 of the submissions does not count toward it. Last evaluated 2026-02-04.

Conditions:
Hemochromatosis type 2A (HFE2A). Also called: Adult-Onset Hemochromatosis; HJV (HFE2)-Related Juvenile Hemochromatosis. Identifiers: Orphanet 79230, MedGen C1865614, MONDO:0011216, OMIM 602390.

Allele frequency attached by ClinVar (database versions not stated): gnomAD exomes 0.00565; ExAC 0.00697; gnomAD 0.02143 and 0.02277; TOPMed 0.02350; ESP Exome Variant Server 0.02522; 1000 Genomes Project 0.02656; 1000 Genomes Project 30x 0.02889.
gnomAD v4.1: 6,322 of 1,614,126 alleles (0.39%); highest among the groups gnomAD compares: African/African-American, 7.4%; 194 homozygotes.

Submissions (5):

Labcorp Genetics (formerly Invitae), Labcorp
Classification: Benign. Last evaluated: 2026-02-04. Review status: criteria provided, single submitter. Criteria: Invitae Variant Classification Sherloc (09022015). Collection method: clinical testing. Allele origin: germline.

Center for Genomic Medicine, Rigshospitalet, Copenhagen University Hospital
Classification: Benign. Last evaluated: 2025-03-04. Review status: criteria provided, single submitter. Criteria: ACMG Guidelines, 2015. Collection method: clinical testing. Allele origin: germline.

Illumina Laboratory Services, Illumina
Classification: Likely benign for Hemochromatosis type 2A. Last evaluated: 2017-04-27. Review status: criteria provided, single submitter. Criteria: ICSL Variant Classification Criteria 13 December 2019. Collection method: clinical testing. Allele origin: germline.
Comment: This variant was observed as part of a predisposition screen in an ostensibly healthy population. A literature search was performed for the gene, cDNA change, and amino acid change (where applicable). Publications were found based on this search. The evidence from the literature, in combination with allele frequency data from public databases where available, was sufficient to determine this variant is unlikely to cause disease. Therefore, this variant is classified as likely benign.

Breakthrough Genomics
Classification: Likely benign. Review status: criteria provided, single submitter. Criteria: ACMG Guidelines, 2015. Collection method: not provided. Allele origin: germline. Inheritance: Autosomal recessive inheritance. Affected: yes.

Natera, Inc.
Classification: Benign for Hemochromatosis type 2A. Last evaluated: 2019-12-04. Review status: no assertion criteria provided. Collection method: clinical testing. Allele origin: germline. Not counted in ClinVar's aggregate classification.

Literature cited by the submitters: PubMed 17490902 (cited by Illumina Laboratory Services, Illumina).